The following is an entry in ClinVar:

ClinVar aggregate classification (germline): Pathogenic. Review status: criteria provided, multiple submitters, no conflicts (2 of 4 stars). 4 submissions from 4 submitters: Pathogenic (4). Last evaluated 2024-03-18.

Conditions:
Hereditary cancer-predisposing syndrome. Also called: Neoplastic Syndromes, Hereditary; Tumor predisposition; Hereditary neoplastic syndrome; Hereditary Cancer Syndrome. Identifiers: Orphanet 140162, MedGen C0027672, MeSH D009386, MONDO:0015356.
BAP1-related tumor predisposition syndrome (TPDS1). Also called: Tumor susceptibility linked to germline BAP1 mutations; BAP1 tumor predisposition syndrome; TUMOR PREDISPOSITION SYNDROME 1; COMMON Syndrome. Identifiers: Orphanet 289539, MedGen C3280492, MONDO:0013692, OMIM 614327.

Submissions (4):

Quest Diagnostics Nichols Institute San Juan Capistrano
Classification: Pathogenic. Last evaluated: 2024-03-18. Review status: criteria provided, single submitter. Criteria: Quest Diagnostics criteria. Collection method: clinical testing. Allele origin: unknown.
Comment: The BAP1 c.619del (p.Arg207Glyfs*24) variant alters the translational reading frame of the BAP1 mRNA and causes the premature termination of BAP1 protein synthesis. This variant has been reported in the published literature in an individual with uveal melanoma (PMID: 30477459 (2018)). This variant has not been reported in large, multi-ethnic general populations (Genome Aggregation Database). Based on the available information, this variant is classified as pathogenic.

Myriad Genetics, Inc.
Classification: Pathogenic for BAP1-related tumor predisposition syndrome. Last evaluated: 2024-02-06. Review status: criteria provided, single submitter. Criteria: Myriad Autosomal Dominant, Autosomal Recessive and X-Linked Classification Criteria (2023). Collection method: clinical testing. Allele origin: unknown.
Comment: This variant is considered pathogenic. This variant creates a frameshift predicted to result in premature protein truncation.

Labcorp Genetics (formerly Invitae), Labcorp
Classification: Pathogenic for BAP1-related tumor predisposition syndrome. Last evaluated: 2024-01-31. Review status: criteria provided, single submitter. Criteria: Invitae Variant Classification Sherloc (09022015). Collection method: clinical testing. Allele origin: germline.
Comment: This sequence change creates a premature translational stop signal (p.Arg207Glyfs*24) in the BAP1 gene. It is expected to result in an absent or disrupted protein product. Loss-of-function variants in BAP1 are known to be pathogenic (PMID: 21874000, 23684012). This variant is not present in population databases (gnomAD no frequency). This premature translational stop signal has been observed in individual(s) with uveal melanoma (PMID: 30477459). ClinVar contains an entry for this variant (Variation ID: 826235). For these reasons, this variant has been classified as Pathogenic.

Ambry Genetics
Classification: Pathogenic for Hereditary cancer-predisposing syndrome. Last evaluated: 2022-09-15. Review status: criteria provided, single submitter. Criteria: Ambry Variant Classification Scheme 2023. Collection method: clinical testing. Allele origin: germline.
Comment: The c.619delC pathogenic mutation, located in coding exon 8 of the BAP1 gene, results from a deletion of one nucleotide at nucleotide position 619, causing a translational frameshift with a predicted alternate stop codon (p.R207Gfs*24). This alteration is expected to result in loss of function by premature protein truncation or nonsense-mediated mRNA decay. As such, this alteration is interpreted as a disease-causing mutation.

Literature cited by the submitters: PubMed 30477459 (cited by Quest Diagnostics Nichols Institute San Juan Capistrano and Labcorp Genetics (formerly Invitae), Labcorp); PubMed 21874000 (cited by Labcorp Genetics (formerly Invitae), Labcorp); PubMed 23684012 (cited by Labcorp Genetics (formerly Invitae), Labcorp).

NM_004656.4(BAP1):c.619del (p.Arg207fs)

Gene: BAP1 (BRCA1 associated deubiquitinase 1; minus strand). Cytogenetic location: 3p21.1.
Variant type: Deletion.
Coding change: c.619del on transcript NM_004656.4 (MANE Select); coding-DNA position 619, one base deleted (C; older notation c.619delC).
Protein change: p.Arg207fs; shifts the reading frame from arginine 207.
Molecular consequence: frameshift variant.
Genome position (GRCh38, 1-based): chr3:52,406,869, G deleted on the plus strand (C on the coding strand, the reverse complement: BAP1 is on the minus strand); the first of 3 consecutive G bases (chr3:52,406,869-52,406,871); deleting any one gives the same sequence. VCF-style (leftmost placement, unchanged base first): chr3-52406868-CG-C. GRCh37 (hg19) VCF-style: chr3-52440884-CG-C.
Other names: c.619del (NM_004656.3); short protein forms R207fs.
Identifiers: ClinVar variation 826235 (VCV000826235.8), dbSNP rs1578225864, ClinGen allele CA915942499.